The following is an entry in ClinVar:

NM_000183.3(HADHB):c.919A>G (p.Asn307Asp)

Gene: HADHB (hydroxyacyl-CoA dehydrogenase trifunctional multienzyme complex subunit beta; plus strand). Cytogenetic location: 2p23.3.
Variant type: single nucleotide variant.
Coding change: c.919A>G on transcript NM_000183.3 (MANE Select); coding-DNA position 919, A replaced by G.
Protein change: p.Asn307Asp; replaces asparagine 307 with aspartic acid.
Molecular consequence: missense variant.
Genome position (GRCh38, 1-based): chr2:26,280,101, A>G. VCF-style: chr2-26280101-A-G. GRCh37 (hg19) VCF-style: chr2-26502969-A-G.
Other names: c.874A>G, p.Asn292Asp (NM_001281512.2); c.853A>G, p.Asn285Asp (NM_001281513.2); short protein forms N307D, N292D, N285D.
Identifiers: ClinVar variation 225384 (VCV000225384.2), dbSNP rs769558977, ClinGen allele CA1560370.

ClinVar aggregate classification (germline): Conflicting classifications of pathogenicity. Review status: criteria provided, conflicting classifications (1 of 4 stars). 2 submissions from 2 submitters: Likely pathogenic (1); Uncertain significance (1). Last evaluated 2025-03-20.

Conditions:
HADHB-related disorder. Also called: HADHB-related condition.
Mitochondrial trifunctional protein deficiency. Identifiers: Orphanet 746, MedGen C1969443, MONDO:0012172.

Allele frequency attached by ClinVar (database versions not stated): gnomAD exomes below 0.00001 and 0.00001; ExAC 0.00002.

Submissions (2):

PreventionGenetics, part of Exact Sciences
Classification: Likely pathogenic for HADHB-related condition. Last evaluated: 2025-03-20. Review status: criteria provided, single submitter. Criteria: ACMG Guidelines, 2015. Collection method: clinical testing. Allele origin: germline.
Comment: The HADHB c.919A>G variant is predicted to result in the amino acid substitution p.Asn307Asp. This variant was reported along with a pathogenic variant in two individuals with clinical and biochemical features consistent with mitochondrial trifunctional protein deficiency (Choi et al. 2007. PubMed ID: 17143551). This variant is reported in 0.011% of alleles in individuals of East Asian descent in gnomAD. This variant is interpreted as likely pathogenic.

Soonchunhyang University Bucheon Hospital, Soonchunhyang University Medical Center
Classification: Uncertain significance for Mitochondrial trifunctional protein deficiency 1. Last evaluated: 2016-03-18. Review status: criteria provided, single submitter. Criteria: ACMG Guidelines, 2015. Collection method: reference population. Allele origin: germline. Observed: 1 variant allele.

Literature cited by the submitters: PubMed 17143551 (cited by Soonchunhyang University Bucheon Hospital, Soonchunhyang University Medical Center).